The following is an entry in ClinVar:

NM_000070.3(CAPN3):c.452A>G (p.His151Arg)

Genes: CAPN3 (calpain 3; plus strand), LOC126862115 (BRD4-independent group 4 enhancer GRCh37_chr15:42677734-42678933; plus strand). Cytogenetic location: 15q15.1.
Variant type: single nucleotide variant.
Coding change: c.452A>G on transcript NM_000070.3 (MANE Select); coding-DNA position 452, A replaced by G.
Protein change: p.His151Arg; replaces histidine 151 with arginine.
Molecular consequence: missense variant.
Genome position (GRCh38, 1-based): chr15:42,386,239, A>G. VCF-style: chr15-42386239-A-G. GRCh37 (hg19) VCF-style: chr15-42678437-A-G.
Other names: c.452A>G, p.His151Arg (NM_024344.2, NM_173087.2); short protein forms H151R.
Identifiers: ClinVar variation 1319979 (VCV001319979.10), dbSNP rs766369281, ClinGen allele CA391997615.

ClinVar aggregate classification (germline): Uncertain significance. Review status: criteria provided, multiple submitters, no conflicts (2 of 4 stars). 3 submissions from 3 submitters: Uncertain significance (3). Last evaluated 2024-09-19.

Conditions:
Autosomal recessive limb-girdle muscular dystrophy type 2A (LGMDR1). Also called: LEYDEN-MOEBIUS MUSCULAR DYSTROPHY; Limb-girdle muscular dystrophy, type 2A; Calpainopathy; MUSCULAR DYSTROPHY, PELVOFEMORAL; Muscular dystrophy, limb-girdle, type 2A, Amish. Identifiers: Orphanet 267, MedGen C1869123, MONDO:0009675, OMIM 253600. Disease mechanism: loss of function.
Muscular dystrophy, limb-girdle, autosomal dominant 4. Also called: MUSCULAR DYSTROPHY, LIMB-GIRDLE, TYPE 1I; Calpain-3-related limb-girdle muscular dystrophy D4. Identifiers: Orphanet 565909, MedGen C4748295, MONDO:0029133, OMIM 618129.
Familial idiopathic inflammatory myopathy. Identifiers: MedGen C3888318, MONDO:0600024, OMIM 160750.

Allele frequency attached by ClinVar (database versions not stated): TOPMed below 0.00001; gnomAD 0.00001.
gnomAD v4.1: 11 of 1,613,956 alleles (0.00068%); highest among the groups gnomAD compares: Non-Finnish European, 0.00093%; no homozygotes.

Submissions (3):

Labcorp Genetics (formerly Invitae), Labcorp
Classification: Uncertain significance for Autosomal recessive limb-girdle muscular dystrophy type 2A. Last evaluated: 2024-09-19. Review status: criteria provided, single submitter. Criteria: Invitae Variant Classification Sherloc (09022015). Collection method: clinical testing. Allele origin: germline.
Comment: This sequence change replaces histidine, which is basic and polar, with arginine, which is basic and polar, at codon 151 of the CAPN3 protein (p.His151Arg). This variant is not present in population databases (gnomAD no frequency). This missense change has been observed in individual(s) with CAPN3-related conditions (PMID: 32528171). ClinVar contains an entry for this variant (Variation ID: 1319979). Invitae Evidence Modeling of protein sequence and biophysical properties (such as structural, functional, and spatial information, amino acid conservation, physicochemical variation, residue mobility, and thermodynamic stability) indicates that this missense variant is not expected to disrupt CAPN3 protein function with a negative predictive value of 80%. In summary, the available evidence is currently insufficient to determine the role of this variant in disease. Therefore, it has been classified as a Variant of Uncertain Significance.

Fulgent Genetics
Classification: Uncertain significance for Autosomal recessive limb-girdle muscular dystrophy type 2A; Muscular dystrophy, limb-girdle, autosomal dominant 4. Last evaluated: 2021-12-15. Review status: criteria provided, single submitter. Criteria: ACMG Guidelines, 2015. Collection method: clinical testing. Allele origin: unknown.

Center for Human Genetics and Genomic Medicine, Uniklinik Rwth Aachen
Classification: Uncertain significance for Familial idiopathic inflammatory myopathy. Last evaluated: 2021-10-22. Review status: criteria provided, single submitter. Criteria: ACMG Guidelines, 2015. Collection method: clinical testing. Allele origin: unknown. Affected: yes.
Comment: Missense variants in CAPN3 cause autosomal recessive limb-girdle muscular dystrophy and have recently been reported in a dominant form of calpainopathy (PMID: 32896923). The His151Arg variant is absent from gnomAD. Bioinformatics tools (SIFT, PolyPhen-2, Align-GVGD) do not agree on the predicted effect of the variant on protein structure and function. Therefore this variant has been classified as "Variant of Uncertain Significance" (ACMG-criteria).

Literature cited by the submitters: PubMed 32528171 (cited by Labcorp Genetics (formerly Invitae), Labcorp).